The following is an entry in ClinVar:

ClinVar aggregate classification (germline): Likely benign (1 of 4 stars; one submission).

gnomAD v4.1: 12 of 1,612,926 alleles (0.00074%); highest among the groups gnomAD compares: Non-Finnish European, 0.001%; no homozygotes.

Submission:

CeGaT Center for Human Genetics Tuebingen
Classification: Likely benign. Last evaluated: 2026-08-01. Review status: criteria provided, single submitter. Criteria: CeGaT Center For Human Genetics Tuebingen Variant Classification Criteria Version 2. Collection method: clinical testing. Allele origin: germline. Affected: yes. Observed: 1 variant allele.
Comment: PRDM10: BP4, BP7

NM_199437.2(PRDM10):c.1929A>G (p.Thr643=)

Gene: PRDM10 (PR/SET domain 10; minus strand). Cytogenetic location: 11q24.3.
Variant type: single nucleotide variant.
Coding change: c.1929A>G on transcript NM_199437.2 (MANE Select); coding-DNA position 1929, A replaced by G.
Protein change: p.Thr643=; no amino-acid change (threonine 643 retained).
Molecular consequence: synonymous variant.
Genome position (GRCh38, 1-based): chr11:129,923,353, T>C on the plus strand (A>G on the coding strand, the complement: PRDM10 is on the minus strand). VCF-style: chr11-129923353-T-C. GRCh37 (hg19) VCF-style: chr11-129793248-T-C.
Other names: c.1581A>G, p.Thr527= (NM_001367890.1, NM_001367894.1); c.1869A>G, p.Thr623= (NM_001367891.1); c.1875A>G, p.Thr625= (NM_001367892.1); c.1941A>G, p.Thr647= (NM_001367893.1, NM_020228.3); c.1080A>G, p.Thr360= (NM_001367895.1, NM_001367896.1); c.1092A>G, p.Thr364= (NM_001367897.1); c.1671A>G, p.Thr557= (NM_001367898.1, NM_199439.2); c.1683A>G, p.Thr561= (NM_001367899.1, NM_199438.2).
Identifiers: ClinVar variation 5039718 (VCV005039718.1).